The following is an entry in ClinVar:

ClinVar aggregate classification (germline): Benign/Likely benign. Review status: criteria provided, multiple submitters, no conflicts (2 of 4 stars). 7 submissions from 7 submitters: Benign (6); Likely benign (1). Last evaluated 2026-04-01.

Conditions:
Ehlers-Danlos syndrome (EDS). Identifiers: Orphanet 98249, MedGen C0013720, MONDO:0020066.
Cardiovascular phenotype. Identifiers: MedGen CN230736.

Allele frequency attached by ClinVar (database versions not stated): gnomAD exomes 0.00078 and 0.00202; gnomAD 0.00830 and 0.00785; 1000 Genomes Project 0.00899; TOPMed 0.00935; 1000 Genomes Project 30x 0.00937; ESP Exome Variant Server 0.00976; ExAC 0.00259.
gnomAD v4.1: 2,337 of 1,594,428 alleles (0.15%); highest among the groups gnomAD compares: African/African-American, 2.9%; 34 homozygotes.

Submissions (7):

Women's Health and Genetics/Laboratory Corporation of America, LabCorp
Classification: Likely benign. Last evaluated: 2026-04-01. Review status: criteria provided, single submitter. Criteria: LabCorp Variant Classification Summary - May 2015. Collection method: clinical testing. Allele origin: germline.
Comment: Variant summary: PRDM5 c.1273A>G (p.Ile425Val) results in a conservative amino acid change in the encoded protein sequence. Algorithms developed to predict the effect of missense changes on protein structure and function are either unavailable or do not agree on the potential impact of this missense change. The variant allele was found at a frequency of 0.002 in 250916 control chromosomes, predominantly at a frequency of 0.028 within the African or African-American subpopulation in the gnomAD database, including 4 homozygotes. The observed variant frequency within African or African-American control individuals in the gnomAD database exceeds the estimated maximal expected allele frequency for disease-causing variants in PRDM5. To our knowledge, no occurrence of c.1273A>G in individuals affected with PRDM5-related conditions and no experimental evidence demonstrating its impact on protein function have been reported. ClinVar contains an entry for this variant (Variation ID: 507613). Based on the evidence outlined above, the variant was classified as likely benign.

Labcorp Genetics (formerly Invitae), Labcorp
Classification: Benign. Last evaluated: 2026-02-02. Review status: criteria provided, single submitter. Criteria: Invitae Variant Classification Sherloc (09022015). Collection method: clinical testing. Allele origin: germline.

Mayo Clinic Laboratories, Mayo Clinic
Classification: Benign. Last evaluated: 2023-10-18. Review status: criteria provided, single submitter. Criteria: ACMG Guidelines, 2015. Collection method: clinical testing. Allele origin: germline. Observed: 5 variant alleles.
Comment: BS1, BS2, BP4

Genome Diagnostics Laboratory, The Hospital for Sick Children
Classification: Benign for Ehlers-Danlos syndrome. Last evaluated: 2022-06-13. Review status: criteria provided, single submitter. Criteria: ACMG Guidelines, 2015. Collection method: clinical testing. Allele origin: germline.

Ambry Genetics
Classification: Benign for Cardiovascular phenotype. Last evaluated: 2019-01-31. Review status: criteria provided, single submitter. Criteria: Ambry Variant Classification Scheme 2023. Collection method: clinical testing. Allele origin: germline.

GeneDx
Classification: Benign. Last evaluated: 2017-03-28. Review status: criteria provided, single submitter. Criteria: GeneDx Variant Classification (06012015). Collection method: clinical testing. Allele origin: germline. Affected: yes.
Comment: This variant is considered likely benign or benign based on one or more of the following criteria: it is a conservative change, it occurs at a poorly conserved position in the protein, it is predicted to be benign by multiple in silico algorithms, and/or has population frequency not consistent with disease.

Breakthrough Genomics
Classification: Benign. Review status: criteria provided, single submitter. Criteria: ACMG Guidelines, 2015. Collection method: not provided. Allele origin: germline. Inheritance: Autosomal recessive inheritance. Affected: yes.

NM_018699.4(PRDM5):c.1273A>G (p.Ile425Val)

Gene: PRDM5 (PR/SET domain 5; minus strand). Cytogenetic location: 4q27.
Variant type: single nucleotide variant.
Coding change: c.1273A>G on transcript NM_018699.4 (MANE Select); coding-DNA position 1273, A replaced by G.
Protein change: p.Ile425Val; replaces isoleucine 425 with valine.
Molecular consequence: missense variant.
Genome position (GRCh38, 1-based): chr4:120,785,007, T>C on the plus strand (A>G on the coding strand, the complement: PRDM5 is on the minus strand). VCF-style: chr4-120785007-T-C. GRCh37 (hg19) VCF-style: chr4-121706162-T-C.
Other names: p.Ile425Val; c.1180A>G, p.Ile394Val (NM_001300823.2, NM_001300824.2, NM_001379106.1); c.1306A>G, p.Ile436Val (NM_001379104.1); short protein forms I425V, I394V, I436V.
Identifiers: ClinVar variation 507613 (VCV000507613.18), dbSNP rs75893420, ClinGen allele CA3061100.
Genomic context (GRCh38, chr4:120,785,007, plus strand): 5'-CAAAGTATGAGATAATTCCTTATATTCTCAACTGCCTGAATCGTGACTTACTGTTATGTA[T>C]TAGCAGGTGTCTCTGTAAAGAAAATGGGGTCCGGAACAAAGCTTTACATTCTTCACATTG-3'
Protein context (NP_061169.2, residues 415-435): TPFSLQRHLL[Ile425Val]HNSERTFKCH